The following is an entry in ClinVar:

NM_000051.4(ATM):c.4438C>T (p.Pro1480Ser)

Gene: ATM (ATM serine/threonine kinase; plus strand). Cytogenetic location: 11q22.3.
Variant type: single nucleotide variant.
Coding change: c.4438C>T on transcript NM_000051.4 (MANE Select); coding-DNA position 4438, C replaced by T.
Protein change: p.Pro1480Ser; replaces proline 1480 with serine.
Molecular consequence: missense variant.
Genome position (GRCh38, 1-based): chr11:108,292,620, C>T. VCF-style: chr11-108292620-C-T. GRCh37 (hg19) VCF-style: chr11-108163347-C-T.
Other names: c.4438C>T, p.Pro1480Ser (NM_001351834.2); short protein forms P1480S.
Identifiers: ClinVar variation 855580 (VCV000855580.8), dbSNP rs2082856332, ClinGen allele CA382532878.
Genomic context (GRCh38, chr11:108,292,620, plus strand): 5'-TTCAGAGTAATTTTCCAGAACTTACTGGTTGTTGTTGTTTTTTTTTCTCCCTATATTAGG[C>T]CTTCTTGTATCATGGATGTGTCATTACGTAGCTTCTCCCTTTGTTGTGACTTATTAAGTC-3'
Protein context (NP_000042.3, residues 1470-1490): YTLIHYINQR[Pro1480Ser]SCIMDVSLRS

ClinVar aggregate classification (germline): Uncertain significance. Review status: criteria provided, multiple submitters, no conflicts (2 of 4 stars). 2 submissions from 2 submitters: Uncertain significance (2). Last evaluated 2025-01-23.

Conditions:
Ataxia-telangiectasia syndrome (AT). Also called: Ataxia telangiectasia (A-T); Cerebello-oculocutaneous telangiectasia; Immunodeficiency with ataxia telangiectasia; AT, COMPLEMENTATION GROUP C; ATAXIA-TELANGIECTASIA, COMPLEMENTATION GROUP A; ATAXIA-TELANGIECTASIA, FRESNO VARIANT. Identifiers: Orphanet 100, MedGen C0004135, MONDO:0008840, OMIM 208900.

Submissions (2):

Athena Diagnostics
Classification: Uncertain significance. Last evaluated: 2025-01-23. Review status: criteria provided, single submitter. Criteria: Athena Diagnostics Criteria. Collection method: clinical testing. Allele origin: unknown.
Comment: Available data are insufficient to determine the clinical significance of the variant at this time. This variant has not been reported in large, multi-ethnic general populations. Polyphen and MutationTaster predict this amino acid change may be benign.

Labcorp Genetics (formerly Invitae), Labcorp
Classification: Uncertain significance for Ataxia-telangiectasia syndrome. Last evaluated: 2021-08-27. Review status: criteria provided, single submitter. Criteria: Invitae Variant Classification Sherloc (09022015). Collection method: clinical testing. Allele origin: germline.
Comment: This sequence change replaces proline with serine at codon 1480 of the ATM protein (p.Pro1480Ser). The proline residue is moderately conserved and there is a moderate physicochemical difference between proline and serine. This variant is not present in population databases (ExAC no frequency). This variant has not been reported in the literature in individuals affected with ATM-related conditions. Algorithms developed to predict the effect of missense changes on protein structure and function output the following: SIFT: "Tolerated"; PolyPhen-2: "Benign"; Align-GVGD: "Class C0". The serine amino acid residue is found in multiple mammalian species, which suggests that this missense change does not adversely affect protein function. In summary, the available evidence is currently insufficient to determine the role of this variant in disease. Therefore, it has been classified as a Variant of Uncertain Significance.